The following is an entry in ClinVar:

NM_021922.3(FANCE):c.611C>T (p.Ser204Leu)

Gene: FANCE (FA complementation group E; plus strand). Cytogenetic location: 6p21.31.
Variant type: single nucleotide variant.
Coding change: c.611C>T on transcript NM_021922.3 (MANE Select); coding-DNA position 611, C replaced by T.
Protein change: p.Ser204Leu; replaces serine 204 with leucine.
Molecular consequence: missense variant.
Genome position (GRCh38, 1-based): chr6:35,456,109, C>T. VCF-style: chr6-35456109-C-T. GRCh37 (hg19) VCF-style: chr6-35423886-C-T.
Other names: short protein forms S204L.
Identifiers: ClinVar variation 134333 (VCV000134333.33), dbSNP rs7761870, ClinGen allele CA159528.

ClinVar aggregate classification (germline): Benign/Likely benign. Review status: criteria provided, multiple submitters, no conflicts (2 of 4 stars). 15 submissions from 15 submitters: Benign (8); Likely benign (3). 4 of the submissions do not count toward it. Last evaluated 2026-02-04.

Conditions:
Fanconi anemia complementation group E (FANCE). Also called: FANCE-Related Fanconi Anemia. Identifiers: Orphanet 84, MedGen C3160739, MONDO:0010953, OMIM 600901.

Allele frequency attached by ClinVar (database versions not stated): gnomAD exomes 0.01549 and 0.01561; ExAC 0.01765; 1000 Genomes Project 0.03534; gnomAD 0.03557 and 0.03770; 1000 Genomes Project 30x 0.03904; TOPMed 0.03926; ESP Exome Variant Server 0.04229.
gnomAD v4.1: 28,017 of 1,613,970 alleles (1.7%); highest among the groups gnomAD compares: African/African-American, 9.7%; 513 homozygotes.

Submissions (15):

Dasa
Classification: Benign. Last evaluated: 2026-02-04. Review status: criteria provided, single submitter. Criteria: DASA Assertion Criteria. Collection method: clinical testing. Allele origin: germline.
Comment: NM_021922.3(FANCE):c.611C>T (p.Ser204Leu) is a missense variant that results in the substitution of serine with leucine. Population frequency is inconsistent with a disease-causing role for this variant, and observations in unaffected individuals support a benign interpretation. Therefore, based on the currently available evidence, this variant is classified as benign.

Labcorp Genetics (formerly Invitae), Labcorp
Classification: Benign for Fanconi anemia complementation group E. Last evaluated: 2026-02-04. Review status: criteria provided, single submitter. Criteria: Invitae Variant Classification Sherloc (09022015). Collection method: clinical testing. Allele origin: germline.

Mayo Clinic Laboratories, Mayo Clinic
Classification: Benign. Last evaluated: 2025-09-15. Review status: criteria provided, single submitter. Criteria: ACMG Guidelines, 2015. Collection method: clinical testing. Allele origin: germline. Observed: 1 variant allele.

ARUP Laboratories, Molecular Genetics and Genomics, ARUP Laboratories
Classification: Benign for Fanconi anemia complementation group E. Last evaluated: 2025-05-16. Review status: criteria provided, single submitter. Criteria: ARUP Molecular Germline Variant Investigation Process 2024. Collection method: clinical testing. Allele origin: germline.

Blueprint Genetics
Classification: Likely benign. Last evaluated: 2024-11-26. Review status: criteria provided, single submitter. Criteria: ACMG Guidelines, 2015. Collection method: clinical testing. Allele origin: germline.

KCCC/NGS Laboratory, Kuwait Cancer Control Center
Classification: Benign for Fanconi anemia complementation group E. Last evaluated: 2023-07-07. Review status: criteria provided, single submitter. Criteria: ACMG Guidelines, 2015. Collection method: clinical testing. Allele origin: germline. Affected: yes.

Institute for Clinical Genetics, University Hospital TU Dresden, University Hospital TU Dresden
Classification: Likely benign. Last evaluated: 2021-11-03. Review status: criteria provided, single submitter. Criteria: ACMG Guidelines, 2015. Collection method: clinical testing. Allele origin: germline.

GeneDx
Classification: Benign. Last evaluated: 2019-03-20. Review status: criteria provided, single submitter. Criteria: GeneDx Variant Classification Process June 2021. Collection method: clinical testing. Allele origin: germline. Affected: yes.

Illumina Laboratory Services, Illumina
Classification: Benign for Fanconi anemia complementation group E. Last evaluated: 2018-01-13. Review status: criteria provided, single submitter. Criteria: ICSL Variant Classification Criteria 13 December 2019. Collection method: clinical testing. Allele origin: germline.
Comment: This variant was observed in the ICSL laboratory as part of a predisposition screen in an ostensibly healthy population. It had not been previously curated by ICSL or reported in the Human Gene Mutation Database (HGMD: prior to June 1st, 2018), and was therefore a candidate for classification through an automated scoring system. Utilizing variant allele frequency, disease prevalence and penetrance estimates, and inheritance mode, an automated score was calculated to assess if this variant is too frequent to cause the disease. Based on the score and internal cut-off values, a variant classified as benign is not then subjected to further curation. The score for this variant resulted in a classification of benign for this disease.

Breakthrough Genomics
Classification: Likely benign. Review status: criteria provided, single submitter. Criteria: ACMG Guidelines, 2015. Collection method: not provided. Allele origin: germline. Inheritance: Autosomal recessive inheritance. Affected: yes.

PreventionGenetics, part of Exact Sciences
Classification: Benign. Review status: criteria provided, single submitter. Criteria: ACMG Guidelines, 2015. Collection method: clinical testing. Allele origin: germline.

ITMI
No classification provided. Condition: AllHighlyPenetrant. Last evaluated: 2013-09-19. Review status: no classification provided. Collection method: reference population. Allele origin: germline. Not counted in ClinVar's aggregate classification.
Comment: Please see associated publication for description of ethnicities

Leiden Open Variation Database
Classification: Uncertain significance. Last evaluated: 2011-02-07. Review status: no assertion criteria provided. Collection method: curation. Allele origin: germline. Affected: yes. Not counted in ClinVar's aggregate classification.
Comment: Curator: Arleen D. Auerbach. Submitter to LOVD: Arleen D. Auerbach.

Genome Diagnostics Laboratory, Amsterdam University Medical Center
Classification: Benign. Review status: no assertion criteria provided. Collection method: clinical testing. Allele origin: germline. Affected: yes. Study: VKGL Data-share Consensus. Not counted in ClinVar's aggregate classification.

Laboratory of Diagnostic Genome Analysis, Leiden University Medical Center (LUMC)
Classification: Likely benign. Review status: no assertion criteria provided. Collection method: clinical testing. Allele origin: germline. Affected: yes. Study: VKGL Data-share Consensus. Not counted in ClinVar's aggregate classification.

Literature cited by the submitters: PubMed 24728327 (cited by ITMI).